The following is an entry in ClinVar:

NM_001164508.2(NEB):c.10312G>A (p.Val3438Met)

Gene: NEB (nebulin; minus strand). Cytogenetic location: 2q23.3.
Variant type: single nucleotide variant.
Coding change: c.10312G>A on transcript NM_001164508.2 (MANE Select); coding-DNA position 10312, G replaced by A.
Protein change: p.Val3438Met; replaces valine 3438 with methionine.
Molecular consequence: missense variant.
Genome position (GRCh38, 1-based): chr2:151,627,037, C>T on the plus strand (G>A on the coding strand, the complement: NEB is on the minus strand). VCF-style: chr2-151627037-C-T. GRCh37 (hg19) VCF-style: chr2-152483551-C-T.
Other names: c.10312G>A, p.Val3438Met (NM_001164507.2, NM_001271208.2); c.9583G>A, p.Val3195Met (NM_004543.5); short protein forms V3195M, V3438M.
Identifiers: ClinVar variation 1026959 (VCV001026959.6), dbSNP rs746015217, ClinGen allele CA1909069.

ClinVar aggregate classification (germline): Uncertain significance (1 of 4 stars; one submission).

Conditions:
Nemaline myopathy 2 (NEM2). Also called: Nemaline myopathy 2, autosomal recessive. Identifiers: MedGen C1850569, MONDO:0009725, OMIM 256030.

Allele frequency attached by ClinVar (database versions not stated): gnomAD exomes below 0.00001; ExAC 0.00001; gnomAD 0.00001; TOPMed 0.00001.
gnomAD v4.1: 1 of 1,613,816 alleles (0.000062%); highest among the groups gnomAD compares: Non-Finnish European, 0.000085%; no homozygotes.

Submission:

Labcorp Genetics (formerly Invitae), Labcorp
Classification: Uncertain significance for Nemaline myopathy 2. Last evaluated: 2022-07-01. Review status: criteria provided, single submitter. Criteria: Invitae Variant Classification Sherloc (09022015). Collection method: clinical testing. Allele origin: germline.
Comment: This sequence change replaces valine, which is neutral and non-polar, with methionine, which is neutral and non-polar, at codon 3438 of the NEB protein (p.Val3438Met). This variant is present in population databases (rs746015217, gnomAD 0.0009%). This variant has not been reported in the literature in individuals affected with NEB-related conditions. ClinVar contains an entry for this variant (Variation ID: 1026959). Algorithms developed to predict the effect of missense changes on protein structure and function are either unavailable or do not agree on the potential impact of this missense change (SIFT: "Deleterious"; PolyPhen-2: "Not Available"; Align-GVGD: "Class C0"). In summary, the available evidence is currently insufficient to determine the role of this variant in disease. Therefore, it has been classified as a Variant of Uncertain Significance.